The following is an entry in ClinVar:

NM_016203.4(PRKAG2):c.562G>A (p.Glu188Lys)

Gene: PRKAG2 (protein kinase AMP-activated non-catalytic subunit gamma 2; minus strand). Cytogenetic location: 7q36.1.
Variant type: single nucleotide variant.
Coding change: c.562G>A on transcript NM_016203.4 (MANE Select); coding-DNA position 562, G replaced by A.
Protein change: p.Glu188Lys; replaces glutamic acid 188 with lysine.
Molecular consequence: missense variant.
Genome position (GRCh38, 1-based): chr7:151,675,542, C>T on the plus strand (G>A on the coding strand, the complement: PRKAG2 is on the minus strand). VCF-style: chr7-151675542-C-T. GRCh37 (hg19) VCF-style: chr7-151372628-C-T.
Other names: c.430G>A, p.Glu144Lys (NM_001040633.2); c.190G>A, p.Glu64Lys (NM_001304527.2, NM_001363698.2); short protein forms E188K, E144K, E64K.
Identifiers: ClinVar variation 520378 (VCV000520378.17), dbSNP rs772303730, ClinGen allele CA057513.

ClinVar aggregate classification (germline): Uncertain significance. Review status: criteria provided, multiple submitters, no conflicts (2 of 4 stars). 5 submissions from 5 submitters: Uncertain significance (5). Last evaluated 2025-07-31.

Conditions:
Cardiomyopathy (CMYO). Also called: Cardiomyopathies. Identifiers: Orphanet 167848, MedGen C0878544, MONDO:0004994, HP:0001638. Inheritance: Various modes of inheritance.
Lethal congenital glycogen storage disease of heart. Also called: GLYCOGEN STORAGE DISEASE OF HEART; PHOSPHORYLASE KINASE DEFICIENCY OF HEART. Identifiers: Orphanet 439854, MedGen C1849813, MONDO:0009867, OMIM 261740.
Cardiovascular phenotype. Identifiers: MedGen CN230736.

Allele frequency attached by ClinVar (database versions not stated): gnomAD 0.00001; TOPMed 0.00002.
gnomAD v4.1: 9 of 1,614,042 alleles (0.00056%); highest among the groups gnomAD compares: Non-Finnish European, 0.00076%; no homozygotes.

Submissions (5):

GeneDx
Classification: Uncertain significance. Last evaluated: 2025-07-31. Review status: criteria provided, single submitter. Criteria: GeneDx Variant Classification Process June 2021. Collection method: clinical testing. Allele origin: germline.
Comment: Reported in a cohort of individuals with HCM in published literature (PMID: 32150461); Not observed at significant frequency in large population cohorts (gnomAD); In silico analysis suggests that this missense variant does not alter protein structure/function; This variant is associated with the following publications: (PMID: 32150461)

Labcorp Genetics (formerly Invitae), Labcorp
Classification: Uncertain significance for Lethal congenital glycogen storage disease of heart. Last evaluated: 2024-09-22. Review status: criteria provided, single submitter. Criteria: Invitae Variant Classification Sherloc (09022015). Collection method: clinical testing. Allele origin: germline.
Comment: This sequence change replaces glutamic acid, which is acidic and polar, with lysine, which is basic and polar, at codon 188 of the PRKAG2 protein (p.Glu188Lys). This variant is present in population databases (rs772303730, gnomAD 0.0009%). This missense change has been observed in individual(s) with hypertrophic cardiomyopathy (PMID: 32150461). ClinVar contains an entry for this variant (Variation ID: 520378). Invitae Evidence Modeling of protein sequence and biophysical properties (such as structural, functional, and spatial information, amino acid conservation, physicochemical variation, residue mobility, and thermodynamic stability) has been performed for this missense variant. However, the output from this modeling did not meet the statistical confidence thresholds required to predict the impact of this variant on PRKAG2 protein function. In summary, the available evidence is currently insufficient to determine the role of this variant in disease. Therefore, it has been classified as a Variant of Uncertain Significance.

Ambry Genetics
Classification: Uncertain significance for Cardiovascular phenotype. Last evaluated: 2022-12-08. Review status: criteria provided, single submitter. Criteria: Ambry Variant Classification Scheme 2023. Collection method: clinical testing. Allele origin: germline.
Comment: The p.E188K variant (also known as c.562G>A), located in coding exon 4 of the PRKAG2 gene, results from a G to A substitution at nucleotide position 562. The glutamic acid at codon 188 is replaced by lysine, an amino acid with similar properties. This alteration has been reported in a hypertrophic cardiomyopathy (HCM) cohort; however, clinical details were limited (Hoss S et al. Circ Genom Precis Med, 2020 Apr;13:e002748). This amino acid position is highly conserved in available vertebrate species. In addition, this alteration is predicted to be deleterious by in silico analysis. Since supporting evidence is limited at this time, the clinical significance of this alteration remains unclear.

Color Diagnostics, LLC DBA Color Health
Classification: Uncertain significance for Cardiomyopathy. Last evaluated: 2019-09-10. Review status: criteria provided, single submitter. Criteria: ACMG Guidelines, 2015. Collection method: clinical testing. Allele origin: germline.
Comment: This missense variant replaces glutamic acid with lysine at codon 188 of the PRKAG2 protein. Computational prediction tools and conservation analyses are inconclusive regarding the impact of this variant on protein structure and function. Splice site prediction tools suggest that this variant may not impact RNA splicing. To our knowledge, functional studies have not been performed for this variant. This variant has not been reported in individuals affected with cardiovascular disorders in the literature. This variant has been identified in 1/251486 chromosomes in the general population by the Genome Aggregation Database (gnomAD). The available evidence is insufficient to determine the role of this variant in disease conclusively. Therefore, this variant is classified as a Variant of Uncertain Significance.

CHEO Genetics Diagnostic Laboratory, Children's Hospital of Eastern Ontario
Classification: Uncertain significance for Cardiomyopathy. Last evaluated: 2016-01-27. Review status: criteria provided, single submitter. Criteria: ACMG Guidelines, 2015. Collection method: clinical testing. Allele origin: germline. Study: Canadian Open Genetics Repository.

Literature cited by the submitters: PubMed 32150461 (cited by Labcorp Genetics (formerly Invitae), Labcorp and Ambry Genetics).